The following is an entry in ClinVar:

ClinVar aggregate classification (germline): Pathogenic (1 of 4 stars; one submission).

Conditions:
Familial cancer of breast. Also called: hereditary breast carcinoma; BREAST CANCER, FAMILIAL; Hereditary breast cancer. Identifiers: Orphanet 227535, MedGen C0346153, MONDO:0016419, OMIM 114480. Disease mechanism: loss of function.

Submission:

Labcorp Genetics (formerly Invitae), Labcorp
Classification: Pathogenic for Familial cancer of breast. Last evaluated: 2022-10-03. Review status: criteria provided, single submitter. Criteria: Invitae Variant Classification Sherloc (09022015). Collection method: clinical testing. Allele origin: germline.
Comment: This variant is not present in population databases (gnomAD no frequency). This variant has not been reported in the literature in individuals affected with CHEK2-related conditions. Algorithms developed to predict the effect of sequence changes on RNA splicing suggest that this variant may disrupt the consensus splice site. For these reasons, this variant has been classified as Pathogenic. This sequence change creates a premature translational stop signal (p.Tyr298*) in the CHEK2 gene. It is expected to result in an absent or disrupted protein product. Loss-of-function variants in CHEK2 are known to be pathogenic (PMID: 21876083, 24713400).

Literature cited by the submitters: PubMed 21876083; PubMed 24713400.

NM_007194.4(CHEK2):c.893dup (p.Tyr298Ter)

Gene: CHEK2 (checkpoint kinase 2; minus strand). Cytogenetic location: 22q12.1.
Variant type: Duplication.
Coding change: c.893dup on transcript NM_007194.4 (MANE Select); coding-DNA position 893, one base duplicated (A; older notation c.893dupA).
Protein change: p.Tyr298Ter; replaces tyrosine 298 with a stop codon.
Molecular consequence: nonsense. On other transcripts: frameshift variant (4).
Genome position (GRCh38, 1-based): chr22:28,703,520, T duplicated on the plus strand (A on the coding strand, the reverse complement: CHEK2 is on the minus strand). VCF-style (leftmost placement, unchanged base first): chr22-28703519-A-AT. GRCh37 (hg19) VCF-style: chr22-29099507-A-AT.
Other names: c.1022dup, p.Tyr341Terfs (NM_001005735.3); c.230dup, p.Tyr77Terfs (NM_001257387.3); c.692dup, p.Tyr231Terfs (NM_001349956.3); c.893dup, p.Tyr298Terfs (NM_145862.3); short protein forms Y298*, Y77*, Y231*, Y341*.
Identifiers: ClinVar variation 2023595 (VCV002023595.4), dbSNP rs2517885557, ClinGen allele CA2580099373.
Genomic context (GRCh38, chr22:28,703,519, plus strand): 5'-AAGCATTTGAATGGAAACAGAAATTTTTAAAAAGTTTACTACTTACAATTCCAAAACAAT[A>AT]TAATAATCTTCTGCATCAAAAAAGTTTTTAATCTTGATGATGCAAGGCTAAGAAGAGGGG-3'